The following is an entry in ClinVar:

NM_000504.4(F10):c.514_516delinsGG (p.Cys172fs)

Genes: F10 (coagulation factor X; plus strand), F10-AS2 (F10 antisense RNA 2; minus strand). Cytogenetic location: 13q34.
Variant type: Indel.
Coding change: c.514_516delinsGG on transcript NM_000504.4 (MANE Select); coding-DNA positions 514 to 516, TGT replaced by GG.
Protein change: p.Cys172fs; shifts the reading frame from cysteine 172.
Molecular consequence: frameshift variant.
Genome position (GRCh38, 1-based): chr13:113,143,862-113,143,864, TGT replaced by GG. VCF-style: chr13-113143862-TGT-GG. GRCh37 (hg19) VCF-style: chr13-113798176-TGT-GG.
Other names: c.382_384delinsGG, p.Cys128fs (NM_001312674.2); c.514_516delinsGG, p.Cys172fs (NM_001312675.2); c.514_516delTGTinsGG, p.Cys172Glyfs (NM_000504.3); short protein forms C128fs, C172fs.
Identifiers: ClinVar variation 4992320 (VCV004992320.1).

ClinVar aggregate classification (germline): Likely pathogenic (1 of 4 stars; one submission).

Conditions:
F10-related disorder. Also called: F10-related condition.

Submission:

PreventionGenetics, part of Exact Sciences
Classification: Likely pathogenic for F10-related condition. Last evaluated: 2026-07-14. Review status: criteria provided, single submitter. Criteria: ACMG Guidelines, 2015. Collection method: clinical testing. Allele origin: germline.
Comment: The F10 c.514_516delinsGG variant is predicted to result in a frameshift and premature protein termination (p.Cys172Glyfs*95). This variant was reported in an individual with Factor X deficiency who had additional variants in the F10 gene (Jayandharan et al. 2005. PubMed ID: 15892863). This variant has not been reported in a large population database (gnomAD), indicating this variant is rare. Frameshift variants in F10 are expected to be pathogenic. This variant is interpreted as likely pathogenic.